The following is an entry in ClinVar:

NM_000069.3(CACNA1S):c.2225C>T (p.Pro742Leu)

Gene: CACNA1S (calcium voltage-gated channel subunit alpha1 S; minus strand). Cytogenetic location: 1q32.1.
Variant type: single nucleotide variant.
Coding change: c.2225C>T on transcript NM_000069.3 (MANE Select); coding-DNA position 2225, C replaced by T.
Protein change: p.Pro742Leu; replaces proline 742 with leucine.
Molecular consequence: missense variant.
Genome position (GRCh38, 1-based): chr1:201,072,757, G>A on the plus strand (C>T on the coding strand, the complement: CACNA1S is on the minus strand). VCF-style: chr1-201072757-G-A. GRCh37 (hg19) VCF-style: chr1-201041885-G-A.
Other names: short protein forms P742L.
Identifiers: ClinVar variation 1316950 (VCV001316950.2), dbSNP rs2102135828, ClinGen allele CA344111756.

ClinVar aggregate classification (germline): Uncertain significance (1 of 4 stars; one submission).

Submission:

GeneDx
Classification: Uncertain significance. Last evaluated: 2021-04-10. Review status: criteria provided, single submitter. Criteria: GeneDx Variant Classification Process June 2021. Collection method: clinical testing. Allele origin: germline. Affected: yes.
Comment: Not observed in large population cohorts (Lek et al., 2016); In silico analysis supports that this missense variant has a deleterious effect on protein structure/function; Has not been previously published as pathogenic or benign to our knowledge